The following is an entry in ClinVar:

ClinVar aggregate classification (germline): Uncertain significance (1 of 4 stars; one submission).

Conditions:
Nephronophthisis 18 (NPHP18). Identifiers: Orphanet 655, MedGen C3890591, MONDO:0014374, OMIM 615862.

Submission:

Labcorp Genetics (formerly Invitae), Labcorp
Classification: Uncertain significance for Nephronophthisis 18. Last evaluated: 2022-03-04. Review status: criteria provided, single submitter. Criteria: Invitae Variant Classification Sherloc (09022015). Collection method: clinical testing. Allele origin: germline.
Comment: This sequence change replaces glutamine, which is neutral and polar, with glutamic acid, which is acidic and polar, at codon 85 of the CEP83 protein (p.Gln85Glu). This variant is not present in population databases (gnomAD no frequency). This variant has not been reported in the literature in individuals affected with CEP83-related conditions. ClinVar contains an entry for this variant (Variation ID: 860717). Algorithms developed to predict the effect of missense changes on protein structure and function are either unavailable or do not agree on the potential impact of this missense change (SIFT: "Not Available"; PolyPhen-2: "Benign"; Align-GVGD: "Not Available"). In summary, the available evidence is currently insufficient to determine the role of this variant in disease. Therefore, it has been classified as a Variant of Uncertain Significance.

NM_016122.3(CEP83):c.253C>G (p.Gln85Glu)

Gene: CEP83 (centrosomal protein 83; minus strand). Cytogenetic location: 12q22.
Variant type: single nucleotide variant.
Coding change: c.253C>G on transcript NM_016122.3 (MANE Select); coding-DNA position 253, C replaced by G.
Protein change: p.Gln85Glu; replaces glutamine 85 with glutamic acid.
Molecular consequence: missense variant. On other transcripts: 5 prime UTR variant (6), non-coding transcript variant (3).
Genome position (GRCh38, 1-based): chr12:94,411,768, G>C on the plus strand (C>G on the coding strand, the complement: CEP83 is on the minus strand). VCF-style: chr12-94411768-G-C. GRCh37 (hg19) VCF-style: chr12-94805544-G-C.
Other names: c.253C>G, p.Gln85Glu (NM_001042399.2, NM_001346457.2, NM_001346460.2 and 4 more transcripts); c.-60C>G (NM_001346458.2, NM_001346459.2, NM_001346462.2 and 3 more transcripts); short protein forms Q85E.
Identifiers: ClinVar variation 860717 (VCV000860717.9), dbSNP rs2063897316, ClinGen allele CA386144010.
Genomic context (GRCh38, chr12:94,411,768, plus strand): 5'-TTTCTTCTAAATCTTTAGTTTTCTCTACTAATTCTCCTCTTAGTTCTTCAAGCAGGAGCT[G>C]AAGTTTTTCCTGCTGAGTTTGCTTTTCATTAAACAGGTGCTTGAGTTCATTTTGTAACTT-3'
Protein context (NP_057206.2, residues 75-95): NEKQTQQEKL[Gln85Glu]LLLEELRGEL